The following is an entry in ClinVar:

ClinVar aggregate classification (germline): Uncertain significance (1 of 4 stars; one submission).

Conditions:
Inborn genetic diseases. Identifiers: MedGen C0950123, MeSH D030342.

Submission:

Ambry Genetics
Classification: Uncertain significance for Inborn genetic diseases. Last evaluated: 2026-05-23. Review status: criteria provided, single submitter. Criteria: Ambry Variant Classification Scheme 2023. Collection method: clinical testing. Allele origin: germline.
Comment: The p.K102T variant (also known as c.305A>C), located in coding exon 4 of the DDX41 gene, results from an A to C substitution at nucleotide position 305. The lysine at codon 102 is replaced by threonine, an amino acid with similar properties. This amino acid position is conserved. In addition, this alteration is predicted to be tolerated by in silico analysis. Based on the available evidence, the clinical significance of this variant remains unclear.

NM_016222.4(DDX41):c.305A>C (p.Lys102Thr)

Gene: DDX41 (DEAD-box helicase 41; minus strand). Cytogenetic location: 5q35.3.
Variant type: single nucleotide variant.
Coding change: c.305A>C on transcript NM_016222.4 (MANE Select); coding-DNA position 305, A replaced by C.
Protein change: p.Lys102Thr; replaces lysine 102 with threonine.
Molecular consequence: missense variant. On other transcripts: 5 prime UTR variant (2).
Genome position (GRCh38, 1-based): chr5:177,516,187, T>G on the plus strand (A>C on the coding strand, the complement: DDX41 is on the minus strand). VCF-style: chr5-177516187-T-G. GRCh37 (hg19) VCF-style: chr5-176943188-T-G.
Other names: c.-74A>C (NM_001321732.2, NM_001321830.2); short protein forms K102T.
Identifiers: ClinVar variation 4869686 (VCV004869686.1).
Genomic context (GRCh38, chr5:177,516,187, plus strand): 5'-TCGGCAACACTCTCCAGGATCTTCTCTTCTTCCTTCAGCTGCTTCTCCTTGGCAGACTCT[T>G]TGCGCGCTGAGAAAAGAAGTGGAAGATGTCAGACAGATACCAAAACGGTGTACCAGGCTC-3'
Protein context (NP_057306.2, residues 92-112): QHLKEKAEAR[Lys102Thr]ESAKEKQLKE